The following is an entry in ClinVar:

NM_001330311.2(DVL1):c.1831G>T (p.Gly611Trp)

Gene: DVL1 (dishevelled segment polarity protein 1; minus strand). Cytogenetic location: 1p36.33.
Variant type: single nucleotide variant.
Coding change: c.1831G>T on transcript NM_001330311.2 (MANE Select); coding-DNA position 1831, G replaced by T.
Protein change: p.Gly611Trp; replaces glycine 611 with tryptophan.
Molecular consequence: missense variant.
Genome position (GRCh38, 1-based): chr1:1,336,399, C>A on the plus strand (G>T on the coding strand, the complement: DVL1 is on the minus strand). VCF-style: chr1-1336399-C-A. GRCh37 (hg19) VCF-style: chr1-1271779-C-A.
Other names: c.1756G>T, p.Gly586Trp (NM_004421.3); short protein forms G611W, G586W.
Identifiers: ClinVar variation 4762618 (VCV004762618.1).

ClinVar aggregate classification (germline): Uncertain significance (1 of 4 stars; one submission).

Submission:

Labcorp Genetics (formerly Invitae), Labcorp
Classification: Uncertain significance. Last evaluated: 2025-04-19. Review status: criteria provided, single submitter. Criteria: Invitae Variant Classification Sherloc (09022015). Collection method: clinical testing. Allele origin: germline.
Comment: This sequence change replaces glycine, which is neutral and non-polar, with tryptophan, which is neutral and slightly polar, at codon 586 of the DVL1 protein (p.Gly586Trp). This variant is not present in population databases (gnomAD no frequency). This variant has not been reported in the literature in individuals affected with DVL1-related conditions. Invitae Evidence Modeling of protein sequence and biophysical properties (such as structural, functional, and spatial information, amino acid conservation, physicochemical variation, residue mobility, and thermodynamic stability) indicates that this missense variant is not expected to disrupt DVL1 protein function with a negative predictive value of 80%. In summary, the available evidence is currently insufficient to determine the role of this variant in disease. Therefore, it has been classified as a Variant of Uncertain Significance.